The following is an entry in ClinVar:

ClinVar aggregate classification (germline): Uncertain significance (1 of 4 stars; one submission).

Conditions:
Progressive microcephaly-seizures-cortical blindness-developmental delay syndrome. Also called: Seizures, cortical blindness, and microcephaly syndrome. Identifiers: Orphanet 477814, MedGen C5567650, MONDO:0014714, OMIM 616632.
Autosomal dominant nonsyndromic hearing loss 1. Also called: DEAFNESS, AUTOSOMAL DOMINANT 1, WITH OR WITHOUT THROMBOCYTOPENIA; KONIGSMARK SYNDROME. Identifiers: Orphanet 90635, MedGen C1852282, MONDO:0007424, OMIM 124900.

Submission:

Labcorp Genetics (formerly Invitae), Labcorp
Classification: Uncertain significance for Progressive microcephaly-seizures-cortical blindness-developmental delay syndrome; Autosomal dominant nonsyndromic hearing loss 1. Last evaluated: 2025-08-05. Review status: criteria provided, single submitter. Criteria: Invitae Variant Classification Sherloc (09022015). Collection method: clinical testing. Allele origin: germline.
Comment: This sequence change replaces isoleucine, which is neutral and non-polar, with valine, which is neutral and non-polar, at codon 383 of the DIAPH1 protein (p.Ile383Val). This variant is not present in population databases (gnomAD no frequency). This variant has not been reported in the literature in individuals affected with DIAPH1-related conditions. Experimental studies and prediction algorithms are not available or were not evaluated, and the functional significance of this variant is currently unknown. In summary, the available evidence is currently insufficient to determine the role of this variant in disease. Therefore, it has been classified as a Variant of Uncertain Significance.

NM_005219.5(DIAPH1):c.1147A>G (p.Ile383Val)

Gene: DIAPH1 (diaphanous related formin 1; minus strand). Cytogenetic location: 5q31.3.
Variant type: single nucleotide variant.
Coding change: c.1147A>G on transcript NM_005219.5 (MANE Select); coding-DNA position 1147, A replaced by G.
Protein change: p.Ile383Val; replaces isoleucine 383 with valine.
Molecular consequence: missense variant.
Genome position (GRCh38, 1-based): chr5:141,578,241, T>C on the plus strand (A>G on the coding strand, the complement: DIAPH1 is on the minus strand). VCF-style: chr5-141578241-T-C. GRCh37 (hg19) VCF-style: chr5-140957808-T-C.
Other names: c.1120A>G, p.Ile374Val (NM_001079812.3); c.1147A>G, p.Ile383Val (NM_001314007.2); short protein forms I374V, I383V.
Identifiers: ClinVar variation 4785788 (VCV004785788.1).